The following is an entry in ClinVar:

ClinVar aggregate classification (germline): Uncertain significance (1 of 4 stars; one submission).

Submission:

GeneDx
Classification: Uncertain significance. Last evaluated: 2025-07-07. Review status: criteria provided, single submitter. Criteria: GeneDx Variant Classification Process June 2021. Collection method: clinical testing. Allele origin: germline. Affected: yes.
Comment: Not observed at significant frequency in large population cohorts (gnomAD); In silico analysis supports that this missense variant has a deleterious effect on protein structure/function; Has not been previously published as pathogenic or benign to our knowledge

NM_001378964.1(CDON):c.260T>A (p.Leu87His)

Gene: CDON (cell adhesion associated, oncogene regulated; minus strand). Cytogenetic location: 11q24.2.
Variant type: single nucleotide variant.
Coding change: c.260T>A on transcript NM_001378964.1 (MANE Select); coding-DNA position 260, T replaced by A.
Protein change: p.Leu87His; replaces leucine 87 with histidine.
Molecular consequence: missense variant.
Genome position (GRCh38, 1-based): chr11:126,021,337, A>T on the plus strand (T>A on the coding strand, the complement: CDON is on the minus strand). VCF-style: chr11-126021337-A-T. GRCh37 (hg19) VCF-style: chr11-125891232-A-T.
Other names: c.260T>A, p.Leu87His (NM_001243597.3, NM_001441161.1, NM_001441162.1 and 5 more transcripts); short protein forms L87H.
Identifiers: ClinVar variation 4685358 (VCV004685358.1).